The following is an entry in ClinVar:

ClinVar aggregate classification (germline): Uncertain significance (1 of 4 stars; one submission).

Conditions:
Cardiovascular phenotype. Identifiers: MedGen CN230736.

gnomAD v4.1: 5 of 1,613,860 alleles (0.00031%); highest among the groups gnomAD compares: Non-Finnish European, 0.00025%; no homozygotes.

Submission:

Ambry Genetics
Classification: Uncertain significance for Cardiovascular phenotype. Last evaluated: 2026-05-28. Review status: criteria provided, single submitter. Criteria: Ambry Variant Classification Scheme 2023. Collection method: clinical testing. Allele origin: germline.
Comment: The p.C1181R variant (also known as c.3541T>C), located in coding exon 17 of the MYPN gene, results from a T to C substitution at nucleotide position 3541. The cysteine at codon 1181 is replaced by arginine, an amino acid with highly dissimilar properties. This amino acid position is conserved. In addition, this alteration is predicted to be tolerated by in silico analysis. Based on the available evidence, the clinical significance of this variant remains unclear.

NM_032578.4(MYPN):c.3541T>C (p.Cys1181Arg)

Gene: MYPN (myopalladin; plus strand). Cytogenetic location: 10q21.3.
Variant type: single nucleotide variant.
Coding change: c.3541T>C on transcript NM_032578.4 (MANE Select); coding-DNA position 3541, T replaced by C.
Protein change: p.Cys1181Arg; replaces cysteine 1181 with arginine.
Molecular consequence: missense variant. On other transcripts: non-coding transcript variant (2).
Genome position (GRCh38, 1-based): chr10:68,201,876, T>C. VCF-style: chr10-68201876-T-C. GRCh37 (hg19) VCF-style: chr10-69961633-T-C.
Other names: c.3541T>C, p.Cys1181Arg (NM_001256267.2); c.2659T>C, p.Cys887Arg (NM_001256268.2); short protein forms C1181R, C887R.
Identifiers: ClinVar variation 4860707 (VCV004860707.1).